The following is an entry in ClinVar:

NM_024675.4(PALB2):c.48+3G>T

Gene: PALB2 (partner and localizer of BRCA2; minus strand). Cytogenetic location: 16p12.2.
Variant type: single nucleotide variant.
Coding change: c.48+3G>T on transcript NM_024675.4 (MANE Select); 3 bases into the intron after coding-DNA position 48, G replaced by T.
Molecular consequence: intron variant. On other transcripts: 5 prime UTR variant (2).
Genome position (GRCh38, 1-based): chr16:23,641,107, C>A on the plus strand (G>T on the coding strand, the complement: PALB2 is on the minus strand). VCF-style: chr16-23641107-C-A. GRCh37 (hg19) VCF-style: chr16-23652428-C-A.
Other names: c.-1693G>T (NM_001407304.1, NM_001407310.1); c.-838+20G>T (NM_001407308.1, NM_001407306.1); c.48+3G>T (NM_001407314.1, NM_001407296.1, NM_001407297.1 and 5 more transcripts); c.-105+3G>T (NM_001407313.1, NM_001407312.1); c.-972+3G>T (NM_001407307.1, NM_001407309.1, NM_001407311.1 and 1 more transcripts).
Identifiers: ClinVar variation 3228037 (VCV003228037.1), dbSNP rs748854938, ClinGen allele CA2825002430.

ClinVar aggregate classification (germline): Uncertain significance (1 of 4 stars; one submission).

Conditions:
Hereditary cancer-predisposing syndrome. Also called: Neoplastic Syndromes, Hereditary; Tumor predisposition; Hereditary neoplastic syndrome; Hereditary Cancer Syndrome. Identifiers: Orphanet 140162, MedGen C0027672, MeSH D009386, MONDO:0015356.

Submission:

Ambry Genetics
Classification: Uncertain significance for Hereditary cancer-predisposing syndrome. Last evaluated: 2023-12-05. Review status: criteria provided, single submitter. Criteria: Ambry Variant Classification Scheme 2023. Collection method: clinical testing. Allele origin: germline.
Comment: The c.48+3G>T intronic variant results from a G to T substitution 3 nucleotides after coding exon 1 in the PALB2 gene. This nucleotide position is highly conserved in available vertebrate species. In silico splice site analysis predicts that this alteration may weaken the native splice donor site; however, direct evidence is insufficient at this time (Ambry internal data). Since supporting evidence is limited at this time, the clinical significance of this alteration remains unclear.